The following is an entry in ClinVar:

NM_181882.3(PRX):c.1483G>C (p.Glu495Gln)

Gene: PRX (periaxin; minus strand). Cytogenetic location: 19q13.2.
Variant type: single nucleotide variant.
Coding change: c.1483G>C on transcript NM_181882.3 (MANE Select); coding-DNA position 1483, G replaced by C.
Protein change: p.Glu495Gln; replaces glutamic acid 495 with glutamine.
Molecular consequence: missense variant. On other transcripts: 3 prime UTR variant (1).
Genome position (GRCh38, 1-based): chr19:40,396,869, C>G on the plus strand (G>C on the coding strand, the complement: PRX is on the minus strand). VCF-style: chr19-40396869-C-G. GRCh37 (hg19) VCF-style: chr19-40902776-C-G.
Other names: c.*1688G>C (NM_020956.2); short protein forms E495Q.
Identifiers: ClinVar variation 215545 (VCV000215545.56), dbSNP rs146789340, ClinGen allele CA336339.
Genomic context (GRCh38, chr19:40,396,869, plus strand): 5'-CCTCCGGCACAGCCATCTCTGGCACCTTTGGGAGTTTCATCTCTGACACTTTGGGCAGCT[C>G]TACCTCTGGAAGCCGCACCTCCGGCACAGCCATCTCTGGCACCTTTGGGAGTTTCATCTC-3'
Protein context (NP_870998.2, residues 485-505): AVPEVRLPEV[Glu495Gln]LPKVSEMKLP

ClinVar aggregate classification (germline): Benign/Likely benign. Review status: criteria provided, multiple submitters, no conflicts (2 of 4 stars). 9 submissions from 9 submitters: Benign (8); Likely benign (1). Last evaluated 2026-09-01.

Conditions:
Charcot-Marie-Tooth disease type 4. Also called: Charcot-Marie-Tooth, Type 4; Charcot-Marie-Tooth disease, type IV. Identifiers: Orphanet 64749, MedGen C4082197, MONDO:0018995.
Charcot-Marie-Tooth disease type 4F. Also called: Charcot-Marie-Tooth disease, demyelinating, type 4F. Identifiers: Orphanet 99952, MedGen C3540453, MONDO:0013959, OMIM 614895.
Charcot-Marie-Tooth disease. Also called: Charcot-Marie-Tooth Neuropathy; Charcot-Marie-Tooth Hereditary Neuropathy. Identifiers: Orphanet 166, MedGen C0007959, MONDO:0015626.

Allele frequency attached by ClinVar (database versions not stated): ExAC 0.00289; gnomAD exomes 0.00508 and 0.00682; 1000 Genomes Project 0.00559; 1000 Genomes Project 30x 0.00578; gnomAD 0.01068 and 0.01077; ESP Exome Variant Server 0.01192.
gnomAD v4.1: 11,340 of 1,575,062 alleles (0.72%); highest among the groups gnomAD compares: South Asian, 0.78%; 140 homozygotes.

Submissions (9):

CeGaT Center for Human Genetics Tuebingen
Classification: Likely benign. Last evaluated: 2026-09-01. Review status: criteria provided, single submitter. Criteria: CeGaT Center For Human Genetics Tuebingen Variant Classification Criteria Version 2. Collection method: clinical testing. Allele origin: germline. Affected: yes. Observed: 58 variant alleles.
Comment: PRX: BP4, BS2

Labcorp Genetics (formerly Invitae), Labcorp
Classification: Benign for Charcot-Marie-Tooth disease type 4. Last evaluated: 2026-02-03. Review status: criteria provided, single submitter. Criteria: Invitae Variant Classification Sherloc (09022015). Collection method: clinical testing. Allele origin: germline.

Athena Diagnostics
Classification: Benign. Last evaluated: 2025-09-17. Review status: criteria provided, single submitter. Criteria: Athena Diagnostics Criteria. Collection method: clinical testing. Allele origin: unknown.
Comment: The frequency of this variant in the general population is higher than would generally be expected for pathogenic variants in this gene. Computational tools predict this amino acid change may be benign.

ARUP Laboratories, Molecular Genetics and Genomics, ARUP Laboratories
Classification: Benign. Last evaluated: 2024-12-12. Review status: criteria provided, single submitter. Criteria: ARUP Molecular Germline Variant Investigation Process 2024. Collection method: clinical testing. Allele origin: germline.

Illumina Laboratory Services, Illumina
Classification: Benign for Charcot-Marie-Tooth disease type 4F. Last evaluated: 2017-04-27. Review status: criteria provided, single submitter. Criteria: ICSL Variant Classification Criteria 13 December 2019. Collection method: clinical testing. Allele origin: germline.
Comment: This variant was observed as part of a predisposition screen in an ostensibly healthy population. A literature search was performed for the gene, cDNA change, and amino acid change (where applicable). Publications were found based on this search. The evidence from the literature, in combination with allele frequency data from public databases where available, was sufficient to rule this variant out of causing disease. Therefore, this variant is classified as benign.

Mayo Clinic Laboratories, Mayo Clinic
Classification: Benign. Last evaluated: 2015-10-21. Review status: criteria provided, single submitter. Criteria: ACMG Guidelines, 2015. Collection method: clinical testing. Allele origin: germline. Observed: 40 variant alleles.

GeneDx
Classification: Benign. Last evaluated: 2015-03-03. Review status: criteria provided, single submitter. Criteria: GeneDx Variant Classification Process June 2021. Collection method: clinical testing. Allele origin: germline. Affected: yes.

Breakthrough Genomics
Classification: Benign. Review status: criteria provided, single submitter. Criteria: ACMG Guidelines, 2015. Collection method: not provided. Allele origin: germline. Inheritance: Autosomal recessive inheritance. Affected: yes.

Molecular Genetics Laboratory, London Health Sciences Centre
Classification: Benign for Charcot-Marie-Tooth disease. Review status: criteria provided, single submitter. Criteria: ACMG Guidelines, 2015. Collection method: clinical testing. Allele origin: germline. Affected: yes.

Literature cited by the submitters: PubMed 11133365 (cited by Athena Diagnostics and Illumina Laboratory Services, Illumina).